The following is an entry in ClinVar:

NM_000089.4(COL1A2):c.449C>T (p.Pro150Leu)

Gene: COL1A2 (collagen type I alpha 2 chain; plus strand). Cytogenetic location: 7q21.3.
Variant type: single nucleotide variant.
Coding change: c.449C>T on transcript NM_000089.4 (MANE Select); coding-DNA position 449, C replaced by T.
Protein change: p.Pro150Leu; replaces proline 150 with leucine.
Molecular consequence: missense variant.
Genome position (GRCh38, 1-based): chr7:94,405,215, C>T. VCF-style: chr7-94405215-C-T. GRCh37 (hg19) VCF-style: chr7-94034527-C-T.
Other names: short protein forms P150L.
Identifiers: ClinVar variation 2440277 (VCV002440277.4), dbSNP rs2484700612, ClinGen allele CA368219796.
Genomic context (GRCh38, chr7:94,405,215, plus strand): 5'-AGTTTACCAAGAAGAAGTTGACTCTACAATGTTTTCATGTTTAGGGTCACCCTGGAAAAC[C>T]CGGACGACCTGGTGAGAGAGGAGTTGTTGGACCACAGGTGAGACTTTTTACATTGGTAGA-3'
Protein context (NP_000080.2, residues 140-160): KAGEDGHPGK[Pro150Leu]GRPGERGVVG

ClinVar aggregate classification (germline): Uncertain significance. Review status: criteria provided, multiple submitters, no conflicts (2 of 4 stars). 2 submissions from 2 submitters: Uncertain significance (2). Last evaluated 2025-11-11.

gnomAD v4.1: 1 of 1,613,760 alleles (0.000062%); highest among the groups gnomAD compares: Non-Finnish European, 0.000085%; no homozygotes.

Submissions (2):

Women's Health and Genetics/Laboratory Corporation of America, LabCorp
Classification: Uncertain significance. Last evaluated: 2025-11-11. Review status: criteria provided, single submitter. Criteria: LabCorp Variant Classification Summary - May 2015. Collection method: clinical testing. Allele origin: germline.
Comment: Variant summary: COL1A2 c.449C>T (p.Pro150Leu) results in a non-conservative amino acid change in the encoded protein sequence. Algorithms developed to predict the effect of missense changes on protein structure and function all suggest that this variant is likely to be disruptive. The variant was absent in 251330 control chromosomes. The available data on variant occurrences in the general population are insufficient to allow any conclusion about variant significance. To our knowledge, no occurrence of c.449C>T in individuals affected with COL1A2-related conditions and no experimental evidence demonstrating its impact on protein function have been reported. ClinVar contains an entry for this variant (Variation ID: 2440277). Based on the evidence outlined above, the variant was classified as uncertain significance.

Revvity Omics, Revvity
Classification: Uncertain significance. Last evaluated: 2021-10-25. Review status: criteria provided, single submitter. Criteria: ACMG Guidelines, 2015. Collection method: clinical testing. Allele origin: germline.